The following is an entry in ClinVar:

NM_005157.6(ABL1):c.683T>G (p.Val228Gly)

Gene: ABL1 (ABL proto-oncogene 1, non-receptor tyrosine kinase; plus strand). Cytogenetic location: 9q34.12.
Variant type: single nucleotide variant.
Coding change: c.683T>G on transcript NM_005157.6 (MANE Select); coding-DNA position 683, T replaced by G.
Protein change: p.Val228Gly; replaces valine 228 with glycine.
Molecular consequence: missense variant.
Genome position (GRCh38, 1-based): chr9:130,862,896, T>G. VCF-style: chr9-130862896-T-G. GRCh37 (hg19) VCF-style: chr9-133738283-T-G.
Other names: c.740T>G, p.Val247Gly (NM_007313.3); short protein forms V228G, V247G.
Identifiers: ClinVar variation 4881486 (VCV004881486.3).
Genomic context (GRCh38, chr9:130,862,896, plus strand): 5'-GGCTCATCACCACGCTCCATTATCCAGCCCCAAAGCGCAACAAGCCCACTGTCTATGGTG[T>G]GTCCCCCAACTACGACAAGTGGGAGATGGAACGCACGGACATCACCATGAAGCACAAGCT-3'
Protein context (NP_005148.2, residues 218-238): PKRNKPTVYG[Val228Gly]SPNYDKWEME

ClinVar aggregate classification (germline): Uncertain significance. Review status: criteria provided, multiple submitters, no conflicts (2 of 4 stars). 2 submissions from 2 submitters: Uncertain significance (2). Last evaluated 2025-09-26.

Submissions (2):

Dasa
Classification: Uncertain significance. Last evaluated: 2025-09-26. Review status: criteria provided, single submitter. Criteria: DASA Assertion Criteria. Collection method: clinical testing. Allele origin: germline.
Comment: NM_005157.6(ABL1):c.683T>G (p.Val228Gly) is a missense variant that results in the substitution of valine with glycine. This variant is absent from population databases. Computational prediction algorithms are consistent with a deleterious effect. The currently available literature and clinical evidence are not sufficient to establish a definitive association between this variant and the reported condition. Therefore, this variant is classified as a variant of uncertain significance.

Blueprint Genetics
Classification: Uncertain significance. Last evaluated: 2024-10-22. Review status: criteria provided, single submitter. Criteria: ACMG Guidelines, 2015. Collection method: clinical testing. Allele origin: germline.